The following is an entry in ClinVar:

ClinVar aggregate classification (germline): Uncertain significance. Review status: criteria provided, multiple submitters, no conflicts (2 of 4 stars). 2 submissions from 2 submitters: Uncertain significance (2). Last evaluated 2026-03-16.

Conditions:
Inborn genetic diseases. Identifiers: MedGen C0950123, MeSH D030342.
Dyskeratosis congenita, autosomal dominant 6 (DKCA6). Identifiers: Orphanet 3322, MedGen C4225284, MONDO:0014690, OMIM 616553.

Allele frequency attached by ClinVar (database versions not stated): TOPMed 0.00001; gnomAD exomes 0.00002.
gnomAD v4.1: 25 of 1,611,998 alleles (0.0016%); highest among the groups gnomAD compares: Non-Finnish European, 0.002%; no homozygotes.

Submissions (2):

Ambry Genetics
Classification: Uncertain significance for Inborn genetic diseases. Last evaluated: 2026-03-16. Review status: criteria provided, single submitter. Criteria: Ambry Variant Classification Scheme 2023. Collection method: clinical testing. Allele origin: germline.

Labcorp Genetics (formerly Invitae), Labcorp
Classification: Uncertain significance for Dyskeratosis congenita, autosomal dominant 6. Last evaluated: 2026-01-17. Review status: criteria provided, single submitter. Criteria: Invitae Variant Classification Sherloc (09022015). Collection method: clinical testing. Allele origin: germline.
Comment: This sequence change replaces arginine, which is basic and polar, with glycine, which is neutral and non-polar, at codon 331 of the ACD protein (p.Arg331Gly). The frequency data for this variant in the population databases is considered unreliable, as metrics indicate poor data quality at this position in the gnomAD database. This variant has not been reported in the literature in individuals affected with ACD-related conditions. ClinVar contains an entry for this variant (Variation ID: 1768608). Invitae Evidence Modeling of protein sequence and biophysical properties (such as structural, functional, and spatial information, amino acid conservation, physicochemical variation, residue mobility, and thermodynamic stability) indicates that this missense variant is not expected to disrupt ACD protein function with a negative predictive value of 80%. In summary, the available evidence is currently insufficient to determine the role of this variant in disease. Therefore, it has been classified as a Variant of Uncertain Significance.

NM_001082486.2(ACD):c.733A>G (p.Arg245Gly)

Gene: ACD (ACD shelterin complex subunit and telomerase recruitment factor; minus strand). Cytogenetic location: 16q22.1.
Variant type: single nucleotide variant.
Coding change: c.733A>G on transcript NM_001082486.2 (MANE Select); coding-DNA position 733, A replaced by G.
Protein change: p.Arg245Gly; replaces arginine 245 with glycine.
Molecular consequence: missense variant.
Genome position (GRCh38, 1-based): chr16:67,658,729, T>C on the plus strand (A>G on the coding strand, the complement: ACD is on the minus strand). VCF-style: chr16-67658729-T-C. GRCh37 (hg19) VCF-style: chr16-67692632-T-C.
Other names: c.733A>G, p.Arg245Gly (NM_001410884.1); c.724A>G, p.Arg242Gly (NM_022914.3); short protein forms R245G, R242G.
Identifiers: ClinVar variation 1768608 (VCV001768608.8), dbSNP rs1466387773, ClinGen allele CA396353444.